The following is an entry in ClinVar:

NM_052876.4(NACC1):c.941A>G (p.Gln314Arg)

Gene: NACC1 (nucleus accumbens associated 1; plus strand). Cytogenetic location: 19p13.13.
Variant type: single nucleotide variant.
Coding change: c.941A>G on transcript NM_052876.4 (MANE Select); coding-DNA position 941, A replaced by G.
Protein change: p.Gln314Arg; replaces glutamine 314 with arginine.
Molecular consequence: missense variant.
Genome position (GRCh38, 1-based): chr19:13,136,148, A>G. VCF-style: chr19-13136148-A-G. GRCh37 (hg19) VCF-style: chr19-13246962-A-G.
Other names: short protein forms Q314R.
Identifiers: ClinVar variation 4735460 (VCV004735460.1).

ClinVar aggregate classification (germline): Uncertain significance (1 of 4 stars; one submission).

gnomAD v4.1: 1 of 1,611,602 alleles (0.000062%); highest among the groups gnomAD compares: Non-Finnish European, 0.000085%; no homozygotes.

Submission:

Labcorp Genetics (formerly Invitae), Labcorp
Classification: Uncertain significance. Last evaluated: 2025-10-30. Review status: criteria provided, single submitter. Criteria: Invitae Variant Classification Sherloc (09022015). Collection method: clinical testing. Allele origin: germline.
Comment: This sequence change replaces glutamine, which is neutral and polar, with arginine, which is basic and polar, at codon 314 of the NACC1 protein (p.Gln314Arg). This variant is not present in population databases (gnomAD no frequency). This variant has not been reported in the literature in individuals affected with NACC1-related conditions. Invitae Evidence Modeling of protein sequence and biophysical properties (such as structural, functional, and spatial information, amino acid conservation, physicochemical variation, residue mobility, and thermodynamic stability) indicates that this missense variant is not expected to disrupt NACC1 protein function with a negative predictive value of 80%. In summary, the available evidence is currently insufficient to determine the role of this variant in disease. Therefore, it has been classified as a Variant of Uncertain Significance.